The following is an entry in ClinVar:

NM_198578.4(LRRK2):c.2771G>A (p.Arg924His)

Gene: LRRK2 (leucine rich repeat kinase 2; plus strand). Cytogenetic location: 12q12.
Variant type: single nucleotide variant.
Coding change: c.2771G>A on transcript NM_198578.4 (MANE Select); coding-DNA position 2771, G replaced by A.
Protein change: p.Arg924His; replaces arginine 924 with histidine.
Molecular consequence: missense variant.
Genome position (GRCh38, 1-based): chr12:40,293,626, G>A. VCF-style: chr12-40293626-G-A. GRCh37 (hg19) VCF-style: chr12-40687428-G-A.
Other names: short protein forms R924H.
Identifiers: ClinVar variation 804995 (VCV000804995.31), dbSNP rs200795874, ClinGen allele CA6513734.

ClinVar aggregate classification (germline): Uncertain significance. Review status: criteria provided, multiple submitters, no conflicts (2 of 4 stars). 4 submissions from 4 submitters: Uncertain significance (4). Last evaluated 2025-06-01.

Conditions:
Autosomal dominant Parkinson disease 8. Also called: LRRK2-Related Parkinson Disease; Parkinson disease 8; Parkinson disease 8, susceptibility to. Identifiers: Orphanet 411602, MedGen C1846862, MONDO:0011764, OMIM 607060.

Allele frequency attached by ClinVar (database versions not stated): TOPMed 0.00006; ExAC 0.00008; ESP Exome Variant Server 0.00008; gnomAD exomes 0.00008.
gnomAD v4.1: 99 of 1,611,134 alleles (0.0061%); highest among the groups gnomAD compares: Non-Finnish European, 0.0073%; no homozygotes.

Submissions (4):

CeGaT Center for Human Genetics Tuebingen
Classification: Uncertain significance. Last evaluated: 2025-06-01. Review status: criteria provided, single submitter. Criteria: CeGaT Center For Human Genetics Tuebingen Variant Classification Criteria Version 2. Collection method: clinical testing. Allele origin: germline. Affected: yes. Observed: 2 variant alleles.
Comment: LRRK2: PM2:Supporting, BP4

Labcorp Genetics (formerly Invitae), Labcorp
Classification: Uncertain significance for Autosomal dominant Parkinson disease 8. Last evaluated: 2025-01-03. Review status: criteria provided, single submitter. Criteria: Invitae Variant Classification Sherloc (09022015). Collection method: clinical testing. Allele origin: germline.
Comment: This sequence change replaces arginine, which is basic and polar, with histidine, which is basic and polar, at codon 924 of the LRRK2 protein (p.Arg924His). This variant is present in population databases (rs200795874, gnomAD 0.01%). This variant has not been reported in the literature in individuals affected with LRRK2-related conditions. ClinVar contains an entry for this variant (Variation ID: 804995). Invitae Evidence Modeling of protein sequence and biophysical properties (such as structural, functional, and spatial information, amino acid conservation, physicochemical variation, residue mobility, and thermodynamic stability) indicates that this missense variant is not expected to disrupt LRRK2 protein function with a negative predictive value of 80%. In summary, the available evidence is currently insufficient to determine the role of this variant in disease. Therefore, it has been classified as a Variant of Uncertain Significance.

Fulgent Genetics
Classification: Uncertain significance for Autosomal dominant Parkinson disease 8. Last evaluated: 2021-09-23. Review status: criteria provided, single submitter. Criteria: ACMG Guidelines, 2015. Collection method: clinical testing. Allele origin: unknown.

Athena Diagnostics
Classification: Uncertain significance. Last evaluated: 2019-03-28. Review status: criteria provided, single submitter. Criteria: Athena Diagnostics Criteria. Collection method: clinical testing. Allele origin: germline.